The following is an entry in ClinVar:

ClinVar aggregate classification (germline): Conflicting classifications of pathogenicity. Review status: criteria provided, conflicting classifications (1 of 4 stars). 4 submissions from 4 submitters: Uncertain significance (1); Likely benign (3). Last evaluated 2026-04-01.

Conditions:
Peroxisome biogenesis disorder. Identifiers: Orphanet 79189, MedGen C1832200, MONDO:0019234. Disease mechanism: loss of function.
Peroxisome biogenesis disorder 8A (Zellweger). Also called: Peroxisome biogenesis disorder 8A. Identifiers: Orphanet 912, MedGen C3553959, MONDO:0013942, OMIM 614876.

Allele frequency attached by ClinVar (database versions not stated): 1000 Genomes Project 0.00040; 1000 Genomes Project 30x 0.00047; TOPMed 0.00011; ESP Exome Variant Server 0.00015; gnomAD 0.00016 and 0.00019; gnomAD exomes 0.00016.
gnomAD v4.1: 265 of 1,611,030 alleles (0.016%); highest among the groups gnomAD compares: South Asian, 0.021%; no homozygotes.

Submissions (4):

CeGaT Center for Human Genetics Tuebingen
Classification: Likely benign. Last evaluated: 2026-04-01. Review status: criteria provided, single submitter. Criteria: CeGaT Center For Human Genetics Tuebingen Variant Classification Criteria Version 2. Collection method: clinical testing. Allele origin: germline. Affected: yes. Observed: 4 variant alleles.
Comment: PEX16: BP4, BP7

Labcorp Genetics (formerly Invitae), Labcorp
Classification: Likely benign for Peroxisome biogenesis disorder. Last evaluated: 2026-01-20. Review status: criteria provided, single submitter. Criteria: Invitae Variant Classification Sherloc (09022015). Collection method: clinical testing. Allele origin: germline.

Blueprint Genetics
Classification: Likely benign. Last evaluated: 2024-09-02. Review status: criteria provided, single submitter. Criteria: ACMG Guidelines, 2015. Collection method: clinical testing. Allele origin: germline.

Illumina Laboratory Services, Illumina
Classification: Uncertain significance for Peroxisome biogenesis disorder 8A (Zellweger). Last evaluated: 2018-01-13. Review status: criteria provided, single submitter. Criteria: ICSL Variant Classification Criteria 13 December 2019. Collection method: clinical testing. Allele origin: germline.

NM_004813.4(PEX16):c.726G>A (p.Ser242=)

Gene: PEX16 (peroxisomal biogenesis factor 16; minus strand). Cytogenetic location: 11p11.2.
Variant type: single nucleotide variant.
Coding change: c.726G>A on transcript NM_004813.4 (MANE Select); coding-DNA position 726, G replaced by A.
Protein change: p.Ser242=; no amino-acid change (serine 242 retained).
Molecular consequence: synonymous variant.
Genome position (GRCh38, 1-based): chr11:45,914,172, C>T on the plus strand (G>A on the coding strand, the complement: PEX16 is on the minus strand). VCF-style: chr11-45914172-C-T. GRCh37 (hg19) VCF-style: chr11-45935723-C-T.
Other names: c.726G>A, p.Ser242= (NM_057174.3).
Identifiers: ClinVar variation 304789 (VCV000304789.38), dbSNP rs200414298, ClinGen allele CA5959847.